The following is an entry in ClinVar:

ClinVar aggregate classification (germline): Uncertain significance. Review status: criteria provided, multiple submitters, no conflicts (2 of 4 stars). 2 submissions from 2 submitters: Uncertain significance (2). Last evaluated 2022-01-03.

Conditions:
Hearing loss, autosomal recessive 117. Also called: DEAFNESS, AUTOSOMAL RECESSIVE 117. Identifiers: MedGen C5436937, MONDO:0030905, OMIM 619174.

Allele frequency attached by ClinVar (database versions not stated): 1000 Genomes Project 30x 0.00016; 1000 Genomes Project 0.00020.
gnomAD v4.1: 74 of 1,613,776 alleles (0.0046%); highest among the groups gnomAD compares: East Asian, 0.16%; no homozygotes.

Submissions (2):

3billion
Classification: Uncertain significance for Hearing loss, autosomal recessive 117. Last evaluated: 2022-01-03. Review status: criteria provided, single submitter. Criteria: ACMG Guidelines, 2015. Collection method: clinical testing. Allele origin: germline. Affected: yes. Observed: 1 homozygote.
Comment: The variant is observed at an extremely low frequency in the gnomAD v2.1.1 dataset (total allele frequency: 0.000076, PM2_M). In silico tool predictions suggest damaging effect of the variant on gene or gene product (REVEL: 0.765, PP3_P). Therefore, this variant is classified as uncertain significance according to the recommendation of ACMG/AMP guideline.

Juno Genomics, Hangzhou Juno Genomics, Inc
Classification: Uncertain significance for Hearing loss, autosomal recessive 117. Review status: criteria provided, single submitter. Criteria: ACMG Guidelines, 2015. Collection method: clinical testing. Allele origin: germline. Affected: yes.
Comment: Multiple lines of computational evidence support a deleterious effect on the gene or gene product (conservation, evolutionary, splicing impact, etc).;For recessive disorders, detected in trans with a pathogenic variant.

NM_001079827.2(CLRN2):c.236G>T (p.Arg79Leu)

Gene: CLRN2 (clarin 2; plus strand). Cytogenetic location: 4p15.32.
Variant type: single nucleotide variant.
Coding change: c.236G>T on transcript NM_001079827.2 (MANE Select); coding-DNA position 236, G replaced by T.
Protein change: p.Arg79Leu; replaces arginine 79 with leucine.
Molecular consequence: missense variant.
Genome position (GRCh38, 1-based): chr4:17,515,502, G>T. VCF-style: chr4-17515502-G-T. GRCh37 (hg19) VCF-style: chr4-17517125-G-T.
Other names: short protein forms R79L.
Identifiers: ClinVar variation 1333538 (VCV001333538.3), dbSNP rs200144103, ClinGen allele CA2868356.